The following is an entry in ClinVar:

ClinVar aggregate classification (germline): Benign/Likely benign. Review status: criteria provided, multiple submitters, no conflicts (2 of 4 stars). 9 submissions from 8 submitters: Benign (7); Likely benign (2). Last evaluated 2026-09-01.

Conditions:
Hereditary spastic paraplegia. Also called: Familial spastic paraparesis. Identifiers: Orphanet 685, MedGen C0037773, MONDO:0019064. Disease mechanism: loss of function.
Neuropathy, hereditary sensory, type 1D. Identifiers: Orphanet 36386, MedGen C3150972, MONDO:0013381, OMIM 613708.
Hereditary spastic paraplegia 3A (SPG3A). Also called: Spastic paraplegia 3A, autosomal dominant; SPASTIC PARAPLEGIA 3, AUTOSOMAL DOMINANT; FAMILIAL SPASTIC PARAPLEGIA, AUTOSOMAL DOMINANT, 1; SPG3; STRUMPELL DISEASE; Spastic Paraplegia 3A. Identifiers: Orphanet 100984, MedGen C2931355, MONDO:0008437, OMIM 182600.

Allele frequency attached by ClinVar (database versions not stated): gnomAD 0.00009 and 0.00114; TOPMed 0.00029; gnomAD exomes 0.00199 and 0.00436; ExAC 0.00505; 1000 Genomes Project 30x 0.01031; 1000 Genomes Project 0.01078.
gnomAD v4.1: 3,116 of 1,612,848 alleles (0.19%); highest among the groups gnomAD compares: South Asian, 3.2%; 84 homozygotes.

Submissions (9):

CeGaT Center for Human Genetics Tuebingen
Classification: Benign. Last evaluated: 2026-09-01. Review status: criteria provided, single submitter. Criteria: CeGaT Center For Human Genetics Tuebingen Variant Classification Criteria Version 2. Collection method: clinical testing. Allele origin: germline. Affected: yes. Observed: 3 variant alleles.
Comment: ATL1: BS1, BS2

Labcorp Genetics (formerly Invitae), Labcorp
Classification: Benign for Hereditary spastic paraplegia 3A. Last evaluated: 2026-02-02. Review status: criteria provided, single submitter. Criteria: Invitae Variant Classification Sherloc (09022015). Collection method: clinical testing. Allele origin: germline.

Mayo Clinic Laboratories, Mayo Clinic
Classification: Benign. Last evaluated: 2024-08-23. Review status: criteria provided, single submitter. Criteria: ACMG Guidelines, 2015. Collection method: clinical testing. Allele origin: germline. Observed: 3 variant alleles.
Comment: BA1, BS2

Genome Diagnostics Laboratory, The Hospital for Sick Children
Classification: Likely benign for Hereditary spastic paraplegia. Last evaluated: 2021-12-16. Review status: criteria provided, single submitter. Criteria: ACMG Guidelines, 2015. Collection method: clinical testing. Allele origin: germline. Affected: yes.

Genome-Nilou Lab
Classification: Benign for Neuropathy, hereditary sensory, type 1D. Last evaluated: 2021-12-05. Review status: criteria provided, single submitter. Criteria: ACMG Guidelines, 2015. Collection method: clinical testing. Allele origin: germline. Affected: no.

Genome-Nilou Lab
Classification: Benign for Hereditary spastic paraplegia 3A. Last evaluated: 2021-12-05. Review status: criteria provided, single submitter. Criteria: ACMG Guidelines, 2015. Collection method: clinical testing. Allele origin: germline. Affected: no.

Fulgent Genetics
Classification: Likely benign for Hereditary spastic paraplegia 3A; Neuropathy, hereditary sensory, type 1D. Last evaluated: 2021-11-16. Review status: criteria provided, single submitter. Criteria: ACMG Guidelines, 2015. Collection method: clinical testing. Allele origin: unknown.

GeneDx
Classification: Benign. Last evaluated: 2019-06-18. Review status: criteria provided, single submitter. Criteria: GeneDx Variant Classification Process June 2021. Collection method: clinical testing. Allele origin: germline. Affected: yes.
Comment: This variant is associated with the following publications: (PMID: 30919572)

Illumina Laboratory Services, Illumina
Classification: Benign for Hereditary spastic paraplegia 3A. Last evaluated: 2018-01-13. Review status: criteria provided, single submitter. Criteria: ICSL Variant Classification Criteria 13 December 2019. Collection method: clinical testing. Allele origin: germline.
Comment: This variant was observed in the ICSL laboratory as part of a predisposition screen in an ostensibly healthy population. It had not been previously curated by ICSL or reported in the Human Gene Mutation Database (HGMD: prior to June 1st, 2018), and was therefore a candidate for classification through an automated scoring system. Utilizing variant allele frequency, disease prevalence and penetrance estimates, and inheritance mode, an automated score was calculated to assess if this variant is too frequent to cause the disease. Based on the score and internal cut-off values, a variant classified as benign is not then subjected to further curation. The score for this variant resulted in a classification of benign for this disease.

Literature cited by the submitters: PubMed 30919572 (cited by Mayo Clinic Laboratories, Mayo Clinic).

NM_015915.5(ATL1):c.417+3A>G

Gene: ATL1 (atlastin GTPase 1; plus strand). Cytogenetic location: 14q22.1.
Variant type: single nucleotide variant.
Coding change: c.417+3A>G on transcript NM_015915.5 (MANE Select); 3 bases into the intron after coding-DNA position 417, A replaced by G.
Molecular consequence: intron variant.
Genome position (GRCh38, 1-based): chr14:50,591,078, A>G. VCF-style: chr14-50591078-A-G. GRCh37 (hg19) VCF-style: chr14-51057796-A-G.
Other names: p.?; c.417+3A>G (NM_001127713.1, NM_181598.4).
Identifiers: ClinVar variation 313294 (VCV000313294.46), dbSNP rs200310890, ClinGen allele CA7180223.